The following is an entry in ClinVar:

NM_001130965.3(SUN1):c.1372C>G (p.Gln458Glu)

Gene: SUN1 (Sad1 and UNC84 domain containing 1; plus strand). Cytogenetic location: 7p22.3.
Variant type: single nucleotide variant.
Coding change: c.1372C>G on transcript NM_001130965.3 (MANE Select); coding-DNA position 1372, C replaced by G.
Protein change: p.Gln458Glu; replaces glutamine 458 with glutamic acid.
Molecular consequence: missense variant. On other transcripts: non-coding transcript variant (3).
Genome position (GRCh38, 1-based): chr7:856,379, C>G. VCF-style: chr7-856379-C-G. GRCh37 (hg19) VCF-style: chr7-896016-C-G.
Other names: c.1063C>G, p.Gln355Glu (NM_001171944.2); c.1372C>G, p.Gln458Glu (NM_001367633.1, NM_001367634.1, NM_001367653.1); c.1021C>G, p.Gln341Glu (NM_001367635.1); c.1612C>G, p.Gln538Glu (NM_001367636.1, NM_001367691.1); c.1480C>G, p.Gln494Glu (NM_001367638.1); c.913C>G, p.Gln305Glu (NM_001367639.1); c.1552C>G, p.Gln518Glu (NM_001367640.1); c.1654C>G, p.Gln552Glu (NM_001367641.1, NM_001367682.1); and 43 more; short protein forms Q305E, Q402E, Q408E, Q444E, Q447E, Q453E, Q462E, Q495E.
Identifiers: ClinVar variation 947406 (VCV000947406.9), dbSNP rs547404802, ClinGen allele CA152354887.

ClinVar aggregate classification (germline): Uncertain significance (1 of 4 stars; one submission).

Conditions:
Emery-Dreifuss muscular dystrophy (EDMD). Also called: Scapuloperoneal syndrome, X-linked (formerly); Humeroperoneal neuromuscular disease, (formerly). Identifiers: Orphanet 261, MedGen C0410189, MONDO:0016830.

Allele frequency attached by ClinVar (database versions not stated): gnomAD exomes below 0.00001; TOPMed 0.00002; gnomAD 0.00004 and 0.00005.
gnomAD v4.1: 11 of 1,614,018 alleles (0.00068%); highest among the groups gnomAD compares: African/African-American, 0.013%; no homozygotes.

Submission:

Labcorp Genetics (formerly Invitae), Labcorp
Classification: Uncertain significance for Emery-Dreifuss muscular dystrophy. Last evaluated: 2022-08-15. Review status: criteria provided, single submitter. Criteria: Invitae Variant Classification Sherloc (09022015). Collection method: clinical testing. Allele origin: germline.
Comment: This variant is present in population databases (rs547404802, gnomAD 0.02%). This sequence change replaces glutamine, which is neutral and polar, with glutamic acid, which is acidic and polar, at codon 458 of the SUN1 protein (p.Gln458Glu). This variant has not been reported in the literature in individuals affected with SUN1-related conditions. ClinVar contains an entry for this variant (Variation ID: 947406). Algorithms developed to predict the effect of missense changes on protein structure and function output the following: SIFT: "Tolerated"; PolyPhen-2: "Benign"; Align-GVGD: "Class C0". The glutamic acid amino acid residue is found in multiple mammalian species, which suggests that this missense change does not adversely affect protein function. In summary, the available evidence is currently insufficient to determine the role of this variant in disease. Therefore, it has been classified as a Variant of Uncertain Significance.